The following is an entry in ClinVar:

NM_006947.4(SRP72):c.1088A>T (p.Glu363Val)

Gene: SRP72 (signal recognition particle 72; plus strand). Cytogenetic location: 4q12.
Variant type: single nucleotide variant.
Coding change: c.1088A>T on transcript NM_006947.4 (MANE Select); coding-DNA position 1088, A replaced by T.
Protein change: p.Glu363Val; replaces glutamic acid 363 with valine.
Molecular consequence: missense variant. On other transcripts: non-coding transcript variant (1).
Genome position (GRCh38, 1-based): chr4:56,486,326, A>T. VCF-style: chr4-56486326-A-T. GRCh37 (hg19) VCF-style: chr4-57352492-A-T.
Other names: c.905A>T, p.Glu302Val (NM_001267722.2); c.1088A>T (NM_006947.3); short protein forms E302V, E363V.
Identifiers: ClinVar variation 1904341 (VCV001904341.6), dbSNP rs2545763197, ClinGen allele CA357000171.

ClinVar aggregate classification (germline): Uncertain significance. Review status: criteria provided, multiple submitters, no conflicts (2 of 4 stars). 2 submissions from 2 submitters: Uncertain significance (2). Last evaluated 2025-04-25.

Submissions (2):

Ambry Genetics
Classification: Uncertain significance. Last evaluated: 2025-04-25. Review status: criteria provided, single submitter. Criteria: Ambry Variant Classification Scheme 2023. Collection method: clinical testing. Allele origin: germline.
Comment: The p.E363V variant (also known as c.1088A>T), located in coding exon 11 of the SRP72 gene, results from an A to T substitution at nucleotide position 1088. The glutamic acid at codon 363 is replaced by valine, an amino acid with dissimilar properties. This amino acid position is conserved. In addition, this alteration is predicted to be tolerated by in silico analysis. Based on the available evidence, the clinical significance of this variant remains unclear.

Labcorp Genetics (formerly Invitae), Labcorp
Classification: Uncertain significance. Last evaluated: 2022-08-29. Review status: criteria provided, single submitter. Criteria: Invitae Variant Classification Sherloc (09022015). Collection method: clinical testing. Allele origin: germline.
Comment: Algorithms developed to predict the effect of missense changes on protein structure and function (SIFT, PolyPhen-2, Align-GVGD) all suggest that this variant is likely to be tolerated. This sequence change replaces glutamic acid, which is acidic and polar, with valine, which is neutral and non-polar, at codon 363 of the SRP72 protein (p.Glu363Val). This variant is not present in population databases (gnomAD no frequency). This variant has not been reported in the literature in individuals affected with SRP72-related conditions. Algorithms developed to predict the effect of sequence changes on RNA splicing suggest that this variant may create or strengthen a splice site. In summary, the available evidence is currently insufficient to determine the role of this variant in disease. Therefore, it has been classified as a Variant of Uncertain Significance.